The following is an entry in ClinVar:

NM_025179.4(PLXNA2):c.422G>A (p.Arg141Gln)

Gene: PLXNA2 (plexin A2; minus strand). Cytogenetic location: 1q32.2.
Variant type: single nucleotide variant.
Coding change: c.422G>A on transcript NM_025179.4 (MANE Select); coding-DNA position 422, G replaced by A.
Protein change: p.Arg141Gln; replaces arginine 141 with glutamine.
Molecular consequence: missense variant.
Genome position (GRCh38, 1-based): chr1:208,217,501, C>T on the plus strand (G>A on the coding strand, the complement: PLXNA2 is on the minus strand). VCF-style: chr1-208217501-C-T. GRCh37 (hg19) VCF-style: chr1-208390846-C-T.
Other names: short protein forms R141Q.
Identifiers: ClinVar variation 4978703 (VCV004978703.1).

ClinVar aggregate classification (germline): Uncertain significance (1 of 4 stars; one submission).

Conditions:
PLXNA2-related disorder. Also called: PLXNA2-related condition.

Submission:

PreventionGenetics, part of Exact Sciences
Classification: Uncertain significance for PLXNA2-related condition. Last evaluated: 2026-06-23. Review status: criteria provided, single submitter. Criteria: ACMG Guidelines, 2015. Collection method: clinical testing. Allele origin: germline.
Comment: The PLXNA2 c.422G>A variant is predicted to result in the amino acid substitution p.Arg141Gln. To our knowledge, this variant has not been reported in the literature. This variant is reported in 0.012% of alleles in individuals of African descent in gnomAD. At this time, the clinical significance of this variant is uncertain due to the absence of conclusive functional and genetic evidence.